The following is an entry in ClinVar:

NM_001040716.2(PC):c.1936G>T (p.Ala646Ser)

Gene: PC (pyruvate carboxylase; minus strand). Cytogenetic location: 11q13.2.
Variant type: single nucleotide variant.
Coding change: c.1936G>T on transcript NM_001040716.2 (MANE Select); coding-DNA position 1936, G replaced by T.
Protein change: p.Ala646Ser; replaces alanine 646 with serine.
Molecular consequence: missense variant.
Genome position (GRCh38, 1-based): chr11:66,851,836, C>A on the plus strand (G>T on the coding strand, the complement: PC is on the minus strand). VCF-style: chr11-66851836-C-A. GRCh37 (hg19) VCF-style: chr11-66619307-C-A.
Other names: c.1936G>T, p.Ala646Ser (NM_000920.4, NM_001439352.1, NM_001439353.1 and 5 more transcripts); short protein forms A646S.
Identifiers: ClinVar variation 4530744 (VCV004530744.1).

ClinVar aggregate classification (germline): Uncertain significance (1 of 4 stars; one submission).

Submission:

GeneDx
Classification: Uncertain significance. Last evaluated: 2025-05-22. Review status: criteria provided, single submitter. Criteria: GeneDx Variant Classification Process June 2021. Collection method: clinical testing. Allele origin: germline. Affected: yes.
Comment: Not observed at significant frequency in large population cohorts (gnomAD); In silico analysis supports that this missense variant has a deleterious effect on protein structure/function; Has not been previously published as pathogenic or benign to our knowledge